The following is an entry in ClinVar:

ClinVar aggregate classification (germline): Uncertain significance (1 of 4 stars; one submission).

Submission:

Labcorp Genetics (formerly Invitae), Labcorp
Classification: Uncertain significance. Last evaluated: 2025-04-08. Review status: criteria provided, single submitter. Criteria: Invitae Variant Classification Sherloc (09022015). Collection method: clinical testing. Allele origin: germline.
Comment: This sequence change creates a premature translational stop signal (p.Tyr673*) in the RNF31 gene. It is expected to result in an absent or disrupted protein product. However, the current clinical and genetic evidence is not sufficient to establish whether loss-of-function variants in RNF31 cause disease. This variant is not present in population databases (gnomAD no frequency). This variant has not been reported in the literature in individuals affected with RNF31-related conditions. In summary, the available evidence is currently insufficient to determine the role of this variant in disease. Therefore, it has been classified as a Variant of Uncertain Significance.

NM_017999.5(RNF31):c.2018_2019del (p.Asn672_Tyr673insTer)

Gene: RNF31 (ring finger protein 31; plus strand). Cytogenetic location: 14q12.
Variant type: Deletion.
Coding change: c.2018_2019del on transcript NM_017999.5 (MANE Select); coding-DNA positions 2018 to 2019, 2 bases deleted (AT; older notation c.2018_2019delAT).
Protein change: p.Asn672_Tyr673insTer.
Molecular consequence: nonsense.
Genome position (GRCh38, 1-based): chr14:24,151,880-24,151,881, AT deleted; deleting any 2 consecutive bases within chr14:24,151,879-24,151,881 gives the same sequence; the c. name uses the placement nearest the transcript's 3' end. VCF-style (leftmost placement, unchanged base first): chr14-24151878-CTA-C. GRCh37 (hg19) VCF-style: chr14-24621087-CTA-C.
Other names: c.1565_1566del, p.Asn521_Tyr522insTer (NM_001310332.2).
Identifiers: ClinVar variation 4716612 (VCV004716612.1).